The following is an entry in ClinVar:

NM_182760.4(SUMF1):c.434A>G (p.Tyr145Cys)

Gene: SUMF1 (sulfatase modifying factor 1; minus strand). Cytogenetic location: 3p26.1.
Variant type: single nucleotide variant.
Coding change: c.434A>G on transcript NM_182760.4 (MANE Select); coding-DNA position 434, A replaced by G.
Protein change: p.Tyr145Cys; replaces tyrosine 145 with cysteine.
Molecular consequence: missense variant.
Genome position (GRCh38, 1-based): chr3:4,452,886, T>C on the plus strand (A>G on the coding strand, the complement: SUMF1 is on the minus strand). VCF-style: chr3-4452886-T-C. GRCh37 (hg19) VCF-style: chr3-4494570-T-C.
Other names: c.434A>G, p.Tyr145Cys (NM_001164674.2, NM_001164675.2); short protein forms Y145C.
Identifiers: ClinVar variation 345322 (VCV000345322.6), dbSNP rs886058520, ClinGen allele CA10616514.
Genomic context (GRCh38, chr3:4,452,886, plus strand): 5'-AAAAGTTCTGGAAAAGAACAAGTTCTCCCTCCTTTCCCCAATCCCATTACCTCTGTCAAA[T>C]AGCCAGTTGAGTTCACAAACTTCTCAAATTCAGTATTACTGACTTCATAGGCATCCATGT-3'
Protein context (NP_877437.2, residues 135-155): EFEKFVNSTG[Tyr145Cys]LTEAEKFGDS

ClinVar aggregate classification (germline): Uncertain significance. Review status: criteria provided, multiple submitters, no conflicts (2 of 4 stars). 2 submissions from 2 submitters: Uncertain significance (2). Last evaluated 2022-04-01.

Conditions:
Multiple sulfatase deficiency (MSD). Also called: Mucosulfatidosis; Multiple Sulfatase Deficiency Disease; Sulfatidosis, Juvenile, Austin Type. Identifiers: Orphanet 585, MedGen C0268263, MONDO:0010088, OMIM 272200.

Allele frequency attached by ClinVar (database versions not stated): gnomAD exomes below 0.00001; gnomAD 0.00001 and 0.00002; TOPMed 0.00002.
gnomAD v4.1: 14 of 1,614,100 alleles (0.00087%); highest among the groups gnomAD compares: Non-Finnish European, 0.00093%; no homozygotes.

Submissions (2):

Labcorp Genetics (formerly Invitae), Labcorp
Classification: Uncertain significance for Multiple sulfatase deficiency. Last evaluated: 2022-04-01. Review status: criteria provided, single submitter. Criteria: Invitae Variant Classification Sherloc (09022015). Collection method: clinical testing. Allele origin: germline.
Comment: This sequence change replaces tyrosine, which is neutral and polar, with cysteine, which is neutral and slightly polar, at codon 145 of the SUMF1 protein (p.Tyr145Cys). This variant is present in population databases (no rsID available, gnomAD 0.003%). This variant has not been reported in the literature in individuals affected with SUMF1-related conditions. ClinVar contains an entry for this variant (Variation ID: 345322). Algorithms developed to predict the effect of missense changes on protein structure and function are either unavailable or do not agree on the potential impact of this missense change (SIFT: "Deleterious"; PolyPhen-2: "Probably Damaging"; Align-GVGD: "Class C0"). In summary, the available evidence is currently insufficient to determine the role of this variant in disease. Therefore, it has been classified as a Variant of Uncertain Significance.

Illumina Laboratory Services, Illumina
Classification: Uncertain significance for Multiple sulfatase deficiency. Last evaluated: 2018-01-13. Review status: criteria provided, single submitter. Criteria: ICSL Variant Classification Criteria 13 December 2019. Collection method: clinical testing. Allele origin: germline.